The following is an entry in ClinVar:

NM_001701.4(BAAT):c.911T>C (p.Val304Ala)

Gene: BAAT (bile acid-CoA:amino acid N-acyltransferase; minus strand). Cytogenetic location: 9q31.1.
Variant type: single nucleotide variant.
Coding change: c.911T>C on transcript NM_001701.4 (MANE Select); coding-DNA position 911, T replaced by C.
Protein change: p.Val304Ala; replaces valine 304 with alanine.
Molecular consequence: missense variant.
Genome position (GRCh38, 1-based): chr9:101,362,774, A>G on the plus strand (T>C on the coding strand, the complement: BAAT is on the minus strand). VCF-style: chr9-101362774-A-G. GRCh37 (hg19) VCF-style: chr9-104125056-A-G.
Other names: c.911T>C, p.Val304Ala (NM_001127610.2, NM_001374715.1); short protein forms V304A.
Identifiers: ClinVar variation 258174 (VCV000258174.15), dbSNP rs61755096, ClinGen allele CA5160613.

ClinVar aggregate classification (germline): Benign. Review status: criteria provided, multiple submitters, no conflicts (2 of 4 stars). 6 submissions from 6 submitters: Benign (6). Last evaluated 2026-01-22.

Conditions:
Hypercholanemia, familial 1 (FHCA1). Identifiers: Orphanet 238475, MedGen C5542604, MONDO:0031446, OMIM 607748.

Allele frequency attached by ClinVar (database versions not stated): 1000 Genomes Project 0.01538; gnomAD 0.01912 and 0.01872; TOPMed 0.02075; gnomAD exomes 0.02536; 1000 Genomes Project 30x 0.01577; ESP Exome Variant Server 0.02307; ExAC 0.02525.
gnomAD v4.1: 43,454 of 1,614,172 alleles (2.7%); highest among the groups gnomAD compares: Middle Eastern, 4.6%; 793 homozygotes.

Submissions (6):

Labcorp Genetics (formerly Invitae), Labcorp
Classification: Benign. Last evaluated: 2026-01-22. Review status: criteria provided, single submitter. Criteria: Invitae Variant Classification Sherloc (09022015). Collection method: clinical testing. Allele origin: germline.

Mayo Clinic Laboratories, Mayo Clinic
Classification: Benign. Last evaluated: 2022-04-17. Review status: criteria provided, single submitter. Criteria: ACMG Guidelines, 2015. Collection method: clinical testing. Allele origin: germline. Observed: 23 variant alleles.

Illumina Laboratory Services, Illumina
Classification: Benign for Hypercholanemia, familial 1. Last evaluated: 2018-01-12. Review status: criteria provided, single submitter. Criteria: ICSL Variant Classification Criteria 13 December 2019. Collection method: clinical testing. Allele origin: germline.
Comment: This variant was observed in the ICSL laboratory as part of a predisposition screen in an ostensibly healthy population. It had not been previously curated by ICSL or reported in the Human Gene Mutation Database (HGMD: prior to June 1st, 2018), and was therefore a candidate for classification through an automated scoring system. Utilizing variant allele frequency, disease prevalence and penetrance estimates, and inheritance mode, an automated score was calculated to assess if this variant is too frequent to cause the disease. Based on the score and internal cut-off values, a variant classified as benign is not then subjected to further curation. The score for this variant resulted in a classification of benign for this disease.

Laboratory for Molecular Medicine, Mass General Brigham Personalized Medicine
Classification: Benign. Last evaluated: 2016-03-28. Review status: criteria provided, single submitter. Criteria: LMM Criteria. Collection method: clinical testing. Allele origin: germline.
Comment: Variant identified in a genome or exome case(s) and assessed due to predicted null impact of the variant or pathogenic assertions in the literature or databases. Disclaimer: This variant has not undergone full assessment. The following are preliminary notes: Frequency

Breakthrough Genomics
Classification: Benign. Review status: criteria provided, single submitter. Criteria: ACMG Guidelines, 2015. Collection method: not provided. Allele origin: germline. Inheritance: Autosomal recessive inheritance. Affected: yes.

PreventionGenetics, part of Exact Sciences
Classification: Benign. Review status: criteria provided, single submitter. Criteria: ACMG Guidelines, 2015. Collection method: clinical testing. Allele origin: germline.